The following is an entry in ClinVar:

ClinVar aggregate classification (germline): Uncertain significance (1 of 4 stars; one submission).

Conditions:
Mitochondrial complex II deficiency, nuclear type 1. Also called: SUCCINATE CoQ REDUCTASE DEFICIENCY. Identifiers: Orphanet 3208, MedGen C5700310, MONDO:0100294, OMIM 252011.
Pheochromocytoma/paraganglioma syndrome 5. Also called: Paragangliomas 5; SDHA-Related Hereditary Paraganglioma-Pheochromocytoma Syndrome. Identifiers: Orphanet 29072, MedGen C3279992, MONDO:0013602, OMIM 614165.

Submission:

Labcorp Genetics (formerly Invitae), Labcorp
Classification: Uncertain significance for Pheochromocytoma/paraganglioma syndrome 5; Mitochondrial complex II deficiency, nuclear type 1. Last evaluated: 2019-05-14. Review status: criteria provided, single submitter. Criteria: Invitae Variant Classification Sherloc (09022015). Collection method: clinical testing. Allele origin: germline.
Comment: In summary, the available evidence is currently insufficient to determine the role of this variant in disease. Therefore, it has been classified as a Variant of Uncertain Significance. Algorithms developed to predict the effect of missense changes on protein structure and function are either unavailable or do not agree on the potential impact of this missense change (SIFT: "Deleterious"; PolyPhen-2: "Benign"; Align-GVGD: "Class C0"). This variant has not been reported in the literature in individuals with SDHA-related conditions. This variant is not present in population databases (ExAC no frequency). This sequence change replaces phenylalanine with serine at codon 33 of the SDHA protein (p.Phe33Ser). The phenylalanine residue is moderately conserved and there is a large physicochemical difference between phenylalanine and serine.

NM_004168.4(SDHA):c.98T>C (p.Phe33Ser)

Gene: SDHA (succinate dehydrogenase complex flavoprotein subunit A; plus strand). Cytogenetic location: 5p15.33.
Variant type: single nucleotide variant.
Coding change: c.98T>C on transcript NM_004168.4 (MANE Select); coding-DNA position 98, T replaced by C.
Protein change: p.Phe33Ser; replaces phenylalanine 33 with serine.
Molecular consequence: missense variant.
Genome position (GRCh38, 1-based): chr5:223,516, T>C. VCF-style: chr5-223516-T-C. GRCh37 (hg19) VCF-style: chr5-223631-T-C.
Other names: c.98T>C, p.Phe33Ser (NM_001294332.2, NM_001330758.2); short protein forms F33S.
Identifiers: ClinVar variation 947040 (VCV000947040.10), dbSNP rs1734831975, ClinGen allele CA359008128.
Genomic context (GRCh38, chr5:223,516, plus strand): 5'-TGGATCTGTGTCTTCTGTGTCTCCAGTGGCCAACAGTGTTGCAAACAGGAACCCGAGGTT[T>C]TCACTTCACTGTTGATGGGAACAAGAGGGCATCTGCTAAAGTTTCAGATTCCGTAAGTTC-3'
Protein context (NP_004159.2, residues 23-43): PTVLQTGTRG[Phe33Ser]HFTVDGNKRA